The following is an entry in ClinVar:

NC_000012.11:g.(133319863_133324417)_(133338419_?)del

Gene: ANKLE2 (ankyrin repeat and LEM domain containing 2; minus strand). Cytogenetic location: 12q24.33.
Variant type: Deletion.
Identifiers: ClinVar variation 3339785 (VCV003339785.1).

ClinVar aggregate classification (germline): Pathogenic (1 of 4 stars; one submission).

Conditions:
Microcephaly 16, primary, autosomal recessive (MCPH16). Identifiers: Orphanet 2512, MedGen C4225249, MONDO:0014730, OMIM 616681.

Submission:

Women's Health and Genetics/Laboratory Corporation of America, LabCorp
Classification: Pathogenic for Microcephaly 16, primary, autosomal recessive. Last evaluated: 2024-06-25. Review status: criteria provided, single submitter. Criteria: LabCorp Variant Classification Summary - May 2015. Collection method: clinical testing. Allele origin: germline.
Comment: Variant summary: The variant involves the deletion of exons 1-5 in the ANKLE2 gene. The exact breakpoint at the 5' end of this variant is unknown, therefore this deletion may extend upstream of the annotated region of this gene. Although the exact breakpoints of this deletion are not known, it is predicted to remove the initiation codon and result in an absence of protein or a truncation of the encoded protein due to translation initiation at a downstream site. A presumed nomenclature of c.(?_-35)_(1230+1_1231-1)del has been designated for the purposes of this classification. The variant was absent in 21694 control chromosomes (gnomAD). To our knowledge, no occurrence of c.(?_-35)_(1230+1_1231-1)del in individuals affected with Microcephaly 16, Primary, Autosomal Recessive and no experimental evidence demonstrating its impact on protein function have been reported. No submitters have cited clinical-significance assessments for this variant to ClinVar. Based on the evidence outlined above, the variant was classified as pathogenic.